The following is an entry in ClinVar:

NM_006035.4(CDC42BPB):c.3910C>T (p.His1304Tyr)

Gene: CDC42BPB (CDC42 binding protein kinase beta; minus strand). Cytogenetic location: 14q32.32.
Variant type: single nucleotide variant.
Coding change: c.3910C>T on transcript NM_006035.4 (MANE Select); coding-DNA position 3910, C replaced by T.
Protein change: p.His1304Tyr; replaces histidine 1304 with tyrosine.
Molecular consequence: missense variant.
Genome position (GRCh38, 1-based): chr14:102,944,389, G>A on the plus strand (C>T on the coding strand, the complement: CDC42BPB is on the minus strand). VCF-style: chr14-102944389-G-A. GRCh37 (hg19) VCF-style: chr14-103410726-G-A.
Other names: c.3832C>T, p.His1278Tyr (NM_001411054.1); short protein forms H1304Y, H1278Y.
Identifiers: ClinVar variation 2397031 (VCV002397031.3), dbSNP rs1364251429, ClinGen allele CA391076111.

ClinVar aggregate classification (germline): Uncertain significance. Review status: criteria provided, multiple submitters, no conflicts (2 of 4 stars). 2 submissions from 2 submitters: Uncertain significance (2). Last evaluated 2025-10-23.

Conditions:
Inborn genetic diseases. Identifiers: MedGen C0950123, MeSH D030342.

Allele frequency attached by ClinVar (database versions not stated): gnomAD 0.00001; TOPMed 0.00003.
gnomAD v4.1: 5 of 1,613,032 alleles (0.00031%); highest among the groups gnomAD compares: African/African-American, 0.0013%; no homozygotes.

Submissions (2):

Women's Health and Genetics/Laboratory Corporation of America, LabCorp
Classification: Uncertain significance. Last evaluated: 2025-10-23. Review status: criteria provided, single submitter. Criteria: LabCorp Variant Classification Summary - May 2015. Collection method: clinical testing. Allele origin: germline.
Comment: Variant summary: CDC42BPB c.3910C>T (p.His1304Tyr) results in a conservative amino acid change in the encoded protein sequence. Algorithms developed to predict the effect of missense changes on protein structure and function are either unavailable or do not agree on the potential impact of this missense change. The variant was absent in 249342 control chromosomes. The available data on variant occurrences in the general population are insufficient to allow any conclusion about variant significance. To our knowledge, no occurrence of c.3910C>T in individuals affected with CDC42BPB-related conditions and no experimental evidence demonstrating its impact on protein function have been reported. ClinVar contains an entry for this variant (Variation ID: 2397031). Based on the evidence outlined above, the variant was classified as uncertain significance.

Ambry Genetics
Classification: Uncertain significance for Inborn genetic diseases. Last evaluated: 2022-01-26. Review status: criteria provided, single submitter. Criteria: Ambry Variant Classification Scheme 2023. Collection method: clinical testing. Allele origin: germline.